The following is an entry in ClinVar:

NM_014727.3(KMT2B):c.6513G>A (p.Gly2171=)

Gene: KMT2B (lysine methyltransferase 2B; plus strand). Cytogenetic location: 19q13.12.
Variant type: single nucleotide variant.
Coding change: c.6513G>A on transcript NM_014727.3 (MANE Select); coding-DNA position 6513, G replaced by A.
Protein change: p.Gly2171=; no amino-acid change (glycine 2171 retained).
Molecular consequence: synonymous variant.
Genome position (GRCh38, 1-based): chr19:35,733,062, G>A. VCF-style: chr19-35733062-G-A. GRCh37 (hg19) VCF-style: chr19-36223963-G-A.
Identifiers: ClinVar variation 2186605 (VCV002186605.5), dbSNP rs745747478, ClinGen allele CA307796885.

ClinVar aggregate classification (germline): Likely benign. Review status: criteria provided, multiple submitters, no conflicts (2 of 4 stars). 2 submissions from 2 submitters: Likely benign (2). Last evaluated 2026-09-01.

Allele frequency attached by ClinVar (database versions not stated): TOPMed 0.00004.
gnomAD v4.1: 26 of 1,578,512 alleles (0.0016%); highest among the groups gnomAD compares: Non-Finnish European, 0.0019%; no homozygotes.

Submissions (2):

CeGaT Center for Human Genetics Tuebingen
Classification: Likely benign. Last evaluated: 2026-09-01. Review status: criteria provided, single submitter. Criteria: CeGaT Center For Human Genetics Tuebingen Variant Classification Criteria Version 2. Collection method: clinical testing. Allele origin: germline. Affected: yes. Observed: 1 variant allele.
Comment: KMT2B: BP4, BP7

Labcorp Genetics (formerly Invitae), Labcorp
Classification: Likely benign. Last evaluated: 2023-08-31. Review status: criteria provided, single submitter. Criteria: Invitae Variant Classification Sherloc (09022015). Collection method: clinical testing. Allele origin: germline.